The following is an entry in ClinVar:

ClinVar aggregate classification (germline): Uncertain significance (1 of 4 stars; one submission).

Submission:

Labcorp Genetics (formerly Invitae), Labcorp
Classification: Uncertain significance. Last evaluated: 2024-05-12. Review status: criteria provided, single submitter. Criteria: Invitae Variant Classification Sherloc (09022015). Collection method: clinical testing. Allele origin: germline.
Comment: This sequence change creates a premature translational stop signal (p.Gln788Lysfs*7) in the GRIA3 gene. It is expected to result in an absent or disrupted protein product. However, the current clinical and genetic evidence is not sufficient to establish whether loss-of-function variants in GRIA3 cause disease. This variant is not present in population databases (gnomAD no frequency). This variant has not been reported in the literature in individuals affected with GRIA3-related conditions. Algorithms developed to predict the effect of sequence changes on RNA splicing suggest that this variant may disrupt the consensus splice site. In summary, the available evidence is currently insufficient to determine the role of this variant in disease. Therefore, it has been classified as a Variant of Uncertain Significance.

NM_000828.5(GRIA3):c.2362del (p.Gln788fs)

Gene: GRIA3 (glutamate ionotropic receptor AMPA type subunit 3; plus strand). Cytogenetic location: Xq25.
Variant type: Deletion.
Coding change: c.2362del on transcript NM_000828.5 (MANE Plus Clinical); coding-DNA position 2362, one base deleted (C; older notation c.2362delC).
Protein change: p.Gln788fs; shifts the reading frame from glutamine 788.
Molecular consequence: frameshift variant. On other transcripts: intron variant (1).
Genome position (GRCh38, 1-based): chrX:123,465,711, C deleted. VCF-style (leftmost placement, unchanged base first): chrX-123465710-GC-G. GRCh37 (hg19) VCF-style: chrX-122599561-GC-G.
Other names: c.2324+599del (NM_007325.5); short protein forms Q788fs.
Identifiers: ClinVar variation 3653090 (VCV003653090.2).
Genomic context (GRCh38, chrX:123,465,710, plus strand): 5'-CAAGTTATGTTTTATCGTTTCAAGAAATGCTGTTAACCTGGCAGTATTAAAACTGAATGA[GC>G]AAGGCCTCTTGGACAAATTGAAAAACAAATGGTGGTACGACAAAGGAGAGTGCGGCAGCG-3'